The following is an entry in ClinVar:

NM_001386795.1(DTNA):c.362+260T>C

Gene: DTNA (dystrobrevin alpha; plus strand). Cytogenetic location: 18q12.1.
Variant type: single nucleotide variant.
Coding change: c.362+260T>C on transcript NM_001386795.1 (MANE Select); 260 bases into the intron after coding-DNA position 362, T replaced by C.
Molecular consequence: intron variant.
Genome position (GRCh38, 1-based): chr18:34,794,510, T>C. VCF-style: chr18-34794510-T-C. GRCh37 (hg19) VCF-style: chr18-32374474-T-C.
Other names: c.362+260T>C (NM_032975.4, NM_001386761.1, NM_001386762.1 and 35 more transcripts).
Identifiers: ClinVar variation 669627 (VCV000669627.1), dbSNP rs34669760, ClinGen allele CA298588038.

ClinVar aggregate classification (germline): Likely benign (1 of 4 stars; one submission).

Allele frequency attached by ClinVar (database versions not stated): 1000 Genomes Project 0.00479; 1000 Genomes Project 30x 0.00500; TOPMed 0.00825; gnomAD 0.00906 and 0.00922.
gnomAD v4.1: 1,376 of 152,308 alleles (0.9%); highest among the groups gnomAD compares: Non-Finnish European, 1.5%; 11 homozygotes.

Submission:

GeneDx
Classification: Likely benign. Last evaluated: 2018-06-14. Review status: criteria provided, single submitter. Criteria: GeneDx Variant Classification (06012015). Collection method: clinical testing. Allele origin: germline. Affected: yes.
Comment: This variant is considered likely benign or benign based on one or more of the following criteria: it is a conservative change, it occurs at a poorly conserved position in the protein, it is predicted to be benign by multiple in silico algorithms, and/or has population frequency not consistent with disease.